The following is an entry in ClinVar:

NM_032043.3(BRIP1):c.415T>C (p.Ser139Pro)

Gene: BRIP1 (BRCA1 interacting DNA helicase 1; minus strand). Cytogenetic location: 17q23.2.
Variant type: single nucleotide variant.
Coding change: c.415T>C on transcript NM_032043.3 (MANE Select); coding-DNA position 415, T replaced by C.
Protein change: p.Ser139Pro; replaces serine 139 with proline.
Molecular consequence: missense variant.
Genome position (GRCh38, 1-based): chr17:61,849,221, A>G on the plus strand (T>C on the coding strand, the complement: BRIP1 is on the minus strand). VCF-style: chr17-61849221-A-G. GRCh37 (hg19) VCF-style: chr17-59926582-A-G.
Other names: short protein forms S139P.
Identifiers: ClinVar variation 2147949 (VCV002147949.6), dbSNP rs202072866, ClinGen allele CA400484548.

ClinVar aggregate classification (germline): Uncertain significance. Review status: criteria provided, multiple submitters, no conflicts (2 of 4 stars). 3 submissions from 3 submitters: Uncertain significance (3). Last evaluated 2024-01-09.

Conditions:
Familial cancer of breast. Also called: Hereditary breast cancer; BREAST CANCER, FAMILIAL; hereditary breast carcinoma. Identifiers: Orphanet 227535, MedGen C0346153, MONDO:0016419, OMIM 114480. Disease mechanism: loss of function.
Fanconi anemia complementation group J. Also called: BRIP1-Related Fanconi Anemia. Identifiers: Orphanet 84, MedGen C1836860, MONDO:0012187, OMIM 609054.
Hereditary cancer-predisposing syndrome. Also called: Neoplastic Syndromes, Hereditary; Hereditary neoplastic syndrome; Hereditary Cancer Syndrome; Tumor predisposition. Identifiers: Orphanet 140162, MedGen C0027672, MeSH D009386, MONDO:0015356.

Submissions (3):

Ambry Genetics
Classification: Uncertain significance for Hereditary cancer-predisposing syndrome. Last evaluated: 2024-01-09. Review status: criteria provided, single submitter. Criteria: Ambry Variant Classification Scheme 2023. Collection method: clinical testing. Allele origin: germline.
Comment: The p.S139P variant (also known as c.415T>C), located in coding exon 4 of the BRIP1 gene, results from a T to C substitution at nucleotide position 415. The serine at codon 139 is replaced by proline, an amino acid with similar properties. This amino acid position is highly conserved in available vertebrate species. In addition, the in silico prediction for this alteration is inconclusive. Since supporting evidence is limited at this time, the clinical significance of this alteration remains unclear.

Baylor Genetics
Classification: Uncertain significance for Familial cancer of breast. Last evaluated: 2023-12-27. Review status: criteria provided, single submitter. Criteria: ACMG Guidelines, 2015. Collection method: clinical testing. Allele origin: unknown.

Labcorp Genetics (formerly Invitae), Labcorp
Classification: Uncertain significance for Familial cancer of breast; Fanconi anemia complementation group J. Last evaluated: 2022-07-22. Review status: criteria provided, single submitter. Criteria: Invitae Variant Classification Sherloc (09022015). Collection method: clinical testing. Allele origin: germline.
Comment: This sequence change replaces serine, which is neutral and polar, with proline, which is neutral and non-polar, at codon 139 of the BRIP1 protein (p.Ser139Pro). This variant is not present in population databases (gnomAD no frequency). In summary, the available evidence is currently insufficient to determine the role of this variant in disease. Therefore, it has been classified as a Variant of Uncertain Significance. Algorithms developed to predict the effect of missense changes on protein structure and function are either unavailable or do not agree on the potential impact of this missense change (SIFT: "Tolerated"; PolyPhen-2: "Probably Damaging"; Align-GVGD: "Class C0"). This variant has not been reported in the literature in individuals affected with BRIP1-related conditions.